The following is an entry in ClinVar:

ClinVar aggregate classification (germline): Uncertain significance (1 of 4 stars; one submission).

Conditions:
Lowe syndrome (OCRL). Also called: LOWE OCULOCEREBRORENAL SYNDROME; PHOSPHATIDYLINOSITOL 4,5-BISPHOSPHATE 5-PHOSPHATASE DEFICIENCY; Oculocerebrorenal Syndrome. Identifiers: Orphanet 534, MedGen C0028860, MONDO:0010645, OMIM 309000.

gnomAD v4.1: 5 of 1,182,788 alleles (0.00042%); highest among the groups gnomAD compares: Middle Eastern, 0.023%; no homozygotes.

Submission:

Labcorp Genetics (formerly Invitae), Labcorp
Classification: Uncertain significance for Lowe syndrome. Last evaluated: 2025-05-16. Review status: criteria provided, single submitter. Criteria: Invitae Variant Classification Sherloc (09022015). Collection method: clinical testing. Allele origin: germline.
Comment: This sequence change replaces alanine, which is neutral and non-polar, with valine, which is neutral and non-polar, at codon 117 of the OCRL protein (p.Ala117Val). This variant is present in population databases (rs775995269, gnomAD 0.01%). This variant has not been reported in the literature in individuals affected with OCRL-related conditions. An algorithm developed to predict the effect of missense changes on protein structure and function (PolyPhen-2) suggests that this variant is likely to be tolerated. In summary, the available evidence is currently insufficient to determine the role of this variant in disease. Therefore, it has been classified as a Variant of Uncertain Significance.

NM_000276.4(OCRL):c.350C>T (p.Ala117Val)

Gene: OCRL (OCRL inositol polyphosphate-5-phosphatase; plus strand). Cytogenetic location: Xq26.1.
Variant type: single nucleotide variant.
Coding change: c.350C>T on transcript NM_000276.4 (MANE Select); coding-DNA position 350, C replaced by T.
Protein change: p.Ala117Val; replaces alanine 117 with valine.
Molecular consequence: missense variant.
Genome position (GRCh38, 1-based): chrX:129,557,861, C>T. VCF-style: chrX-129557861-C-T. GRCh37 (hg19) VCF-style: chrX-128691838-C-T.
Other names: c.353C>T, p.Ala118Val (NM_001318784.2); c.350C>T, p.Ala117Val (NM_001587.4); short protein forms A118V, A117V.
Identifiers: ClinVar variation 4702071 (VCV004702071.1).